The following is an entry in ClinVar:

NM_017791.3(FLVCR2):c.812-2A>G

Gene: FLVCR2 (FLVCR choline and putative heme transporter 2; plus strand). Cytogenetic location: 14q24.3.
Variant type: single nucleotide variant.
Coding change: c.812-2A>G on transcript NM_017791.3 (MANE Select); the canonical splice acceptor site of the intron before coding-DNA position 812, A replaced by G.
Molecular consequence: splice acceptor variant.
Genome position (GRCh38, 1-based): chr14:75,624,610, A>G. VCF-style: chr14-75624610-A-G. GRCh37 (hg19) VCF-style: chr14-76090953-A-G.
Other names: c.197-2A>G (NM_001195283.2).
Identifiers: ClinVar variation 3699250 (VCV003699250.2).

ClinVar aggregate classification (germline): Likely pathogenic (1 of 4 stars; one submission).

gnomAD v4.1: 1 of 1,613,902 alleles (0.000062%); highest among the groups gnomAD compares: Non-Finnish European, 0.000085%; no homozygotes.

Submission:

Labcorp Genetics (formerly Invitae), Labcorp
Classification: Likely pathogenic. Last evaluated: 2024-12-04. Review status: criteria provided, single submitter. Criteria: Invitae Variant Classification Sherloc (09022015). Collection method: clinical testing. Allele origin: germline.
Comment: This sequence change affects an acceptor splice site in intron 2 of the FLVCR2 gene. It is expected to disrupt RNA splicing. Variants that disrupt the donor or acceptor splice site typically lead to a loss of protein function (PMID: 16199547), and loss-of-function variants in FLVCR2 are known to be pathogenic (PMID: 20206334, 20690116). This variant is not present in population databases (gnomAD no frequency). This variant has not been reported in the literature in individuals affected with FLVCR2-related conditions. Algorithms developed to predict the effect of sequence changes on RNA splicing suggest that this variant may disrupt the consensus splice site. In summary, the currently available evidence indicates that the variant is pathogenic, but additional data are needed to prove that conclusively. Therefore, this variant has been classified as Likely Pathogenic.

Literature cited by the submitters: PubMed 16199547; PubMed 20206334; PubMed 20690116.